The following is an entry in ClinVar:

ClinVar aggregate classification (germline): Uncertain significance (1 of 4 stars; one submission).

Allele frequency attached by ClinVar (database versions not stated): gnomAD 0.00001; TOPMed 0.00001; gnomAD exomes 0.00002.
gnomAD v4.1: 24 of 1,611,952 alleles (0.0015%); highest among the groups gnomAD compares: Non-Finnish European, 0.0019%; no homozygotes.

Submission:

Labcorp Genetics (formerly Invitae), Labcorp
Classification: Uncertain significance. Last evaluated: 2022-02-05. Review status: criteria provided, single submitter. Criteria: Invitae Variant Classification Sherloc (09022015). Collection method: clinical testing. Allele origin: germline.
Comment: In summary, the available evidence is currently insufficient to determine the role of this variant in disease. Therefore, it has been classified as a Variant of Uncertain Significance. Variants that disrupt the consensus splice site are a relatively common cause of aberrant splicing (PMID: 17576681, 9536098). Experimental studies and prediction algorithms are not available or were not evaluated, and the effect of this variant on mRNA splicing is currently unknown. This variant has not been reported in the literature in individuals affected with CEP250-related conditions. This variant is present in population databases (rs776939566, gnomAD 0.002%). This sequence change affects codon 918 of the CEP250 mRNA. It is a 'silent' change, meaning that it does not change the encoded amino acid sequence of the CEP250 protein. This variant also falls at the last nucleotide of exon 21, which is part of the consensus splice site for this exon.

Literature cited by the submitters: PubMed 17576681; PubMed 9536098.

NM_007186.6(CEP250):c.2754G>A (p.Gln918=)

Genes: CEP250 (centrosomal protein 250; plus strand), CEP250-AS1 (CEP250 antisense RNA 1; minus strand), LOC130065760 (ATAC-STARR-seq lymphoblastoid active region 17785; plus strand). Cytogenetic location: 20q11.22.
Variant type: single nucleotide variant.
Coding change: c.2754G>A on transcript NM_007186.6 (MANE Select); coding-DNA position 2754, G replaced by A.
Protein change: p.Gln918=; no amino-acid change (glutamine 918 retained).
Molecular consequence: synonymous variant.
Genome position (GRCh38, 1-based): chr20:35,490,804, G>A. VCF-style: chr20-35490804-G-A. GRCh37 (hg19) VCF-style: chr20-34078630-G-A.
Other names: c.858G>A, p.Gln286= (NM_001318219.1).
Identifiers: ClinVar variation 2093417 (VCV002093417.4), dbSNP rs776939566, ClinGen allele CA314150203.
Genomic context (GRCh38, chr20:35,490,804, plus strand): 5'-GGAGGCCATCCAGGCCCAGAGGGAAGAAGAACGGACCCAGGCAGAGAGTGCCCTATGCCA[G>A]GTGGGAAGCTAGGAGGATTGGAGCTGCACGTCCAGTCAGCGATCTCCTTACCTTGACCAC-3'
Protein context (NP_009117.2, residues 908-928): ERTQAESALC[Gln918=]MQLETEKERV